The following is an entry in ClinVar:

NM_014339.7(IL17RA):c.1087G>A (p.Asp363Asn)

Genes: IL17RA (interleukin 17 receptor A; plus strand), LOC126863094 (MED14-independent group 3 enhancer GRCh37_chr22:17587847-17589046; plus strand). Cytogenetic location: 22q11.1.
Variant type: single nucleotide variant.
Coding change: c.1087G>A on transcript NM_014339.7 (MANE Select); coding-DNA position 1087, G replaced by A.
Protein change: p.Asp363Asn; replaces aspartic acid 363 with asparagine.
Molecular consequence: missense variant.
Genome position (GRCh38, 1-based): chr22:17,107,768, G>A. VCF-style: chr22-17107768-G-A. GRCh37 (hg19) VCF-style: chr22-17588658-G-A.
Other names: c.985G>A, p.Asp329Asn (NM_001289905.2); short protein forms D329N, D363N.
Identifiers: ClinVar variation 657886 (VCV000657886.13), dbSNP rs149771513, ClinGen allele CA10086661.
Genomic context (GRCh38, chr22:17,107,768, plus strand): 5'-TATTTCTTTTCCTTTCCAGGGCCTGGAAGTGAAAAATACAGTGATGACACCAAATACACC[G>A]GTCAGTATTTCCTGGTTTGCATGTTTGCTTATTTTTAAAGCAGTGGAGGGTTCTCCTGGG-3'
Protein context (NP_055154.3, residues 353-373): EKYSDDTKYT[Asp363Asn]GLPAADLIPP

ClinVar aggregate classification (germline): Uncertain significance. Review status: criteria provided, multiple submitters, no conflicts (2 of 4 stars). 4 submissions from 4 submitters: Uncertain significance (4). Last evaluated 2024-09-10.

Conditions:
Immunodeficiency 51 (IMD51). Also called: CANDIDIASIS, FAMILIAL, 5. Identifiers: Orphanet 1334, MedGen C4310803, MONDO:0013500, OMIM 613953.

Allele frequency attached by ClinVar (database versions not stated): ExAC 0.00021; ESP Exome Variant Server 0.00031; TOPMed 0.00044; gnomAD 0.00051; gnomAD exomes 0.00071.

Submissions (5):

Blueprint Genetics
Classification: Uncertain significance. Last evaluated: 2024-09-10. Review status: criteria provided, single submitter. Criteria: ACMG Guidelines, 2015. Collection method: clinical testing. Allele origin: germline.

Labcorp Genetics (formerly Invitae), Labcorp
Classification: Uncertain significance for Immunodeficiency 51. Last evaluated: 2024-01-08. Review status: criteria provided, single submitter. Criteria: Invitae Variant Classification Sherloc (09022015). Collection method: clinical testing. Allele origin: germline.
Comment: This sequence change replaces aspartic acid, which is acidic and polar, with asparagine, which is neutral and polar, at codon 363 of the IL17RA protein (p.Asp363Asn). This variant is present in population databases (rs149771513, gnomAD 0.06%). This variant has not been reported in the literature in individuals affected with IL17RA-related conditions. ClinVar contains an entry for this variant (Variation ID: 657886). An algorithm developed to predict the effect of missense changes on protein structure and function (PolyPhen-2) suggests that this variant¬†is likely to be tolerated. Algorithms developed to predict the effect of sequence changes on RNA splicing suggest that this variant may disrupt the consensus splice site. In summary, the available evidence is currently insufficient to determine the role of this variant in disease. Therefore, it has been classified as a Variant of Uncertain Significance.

Center for Genomics, Ann and Robert H. Lurie Children's Hospital of Chicago
Classification: Uncertain significance for Immunodeficiency 51. Last evaluated: 2021-12-14. Review status: criteria provided, single submitter. Criteria: ACMG Guidelines, 2015. Collection method: clinical testing. Allele origin: germline.
Comment: IL17RA NM_014339.6 exon 12 p.Asp363Asn (c.1087G>A): This variant has been reported in the literature with a potential association to monocyte counts (Pankratz 2016 PMID:27399967). This variant is present in 0.09% (66/68046) of European alleles in the Genome Aggregation Database. This variant is present in ClinVar (Variation ID:657886). Evolutionary conservation suggests that this variant may not impact the protein. However, this variant occurs in the last nucleotide of the exon and computational prediction tools suggest that this variant may affect splicing. However, further studies are needed to understand its impact. In summary, data on this variant is insufficient for disease classification. Therefore, the clinical significance of this variant is uncertain.

Illumina Laboratory Services, Illumina
Classification: Uncertain significance for Immunodeficiency 51. Last evaluated: 2018-01-13. Review status: criteria provided, single submitter. Criteria: ICSL Variant Classification Criteria 13 December 2019. Collection method: clinical testing. Allele origin: germline.

Dr. Peter K. Rogan Lab, Western University
No classification provided (evidence only). Condition: Sarcoma. Review status: no classification provided. Collection method: in vitro. Allele origin: not applicable. Functional consequence: skipped exon. Not counted in ClinVar's aggregate classification.